The following is an entry in ClinVar:

ClinVar aggregate classification (germline): Uncertain significance. Review status: criteria provided, multiple submitters, no conflicts (2 of 4 stars). 10 submissions from 10 submitters: Uncertain significance (8). 2 of the submissions do not count toward it. Last evaluated 2026-01-17.

Conditions:
ATM-related disorder. Also called: ATM-related disorders; ATM-related condition.
Hereditary cancer-predisposing syndrome. Also called: Neoplastic Syndromes, Hereditary; Tumor predisposition; Hereditary neoplastic syndrome; Hereditary Cancer Syndrome. Identifiers: Orphanet 140162, MedGen C0027672, MeSH D009386, MONDO:0015356.
Familial cancer of breast. Also called: Hereditary breast cancer; BREAST CANCER, FAMILIAL; hereditary breast carcinoma. Identifiers: Orphanet 227535, MedGen C0346153, MONDO:0016419, OMIM 114480. Disease mechanism: loss of function.
Malignant tumor of breast. Also called: Malignant breast neoplasm; Cancer breast. Identifiers: MedGen C0006142, MONDO:0007254. Disease mechanism: loss of function.
Ataxia-telangiectasia syndrome (AT). Also called: Cerebello-oculocutaneous telangiectasia; Immunodeficiency with ataxia telangiectasia; AT, COMPLEMENTATION GROUP C; LOUIS-BAR SYNDROME; Ataxia-telangiectasia, complementation group E; ATAXIA-TELANGIECTASIA, COMPLEMENTATION GROUP A. Identifiers: Orphanet 100, MedGen C0004135, MONDO:0008840, OMIM 208900.

Allele frequency attached by ClinVar (database versions not stated): TOPMed below 0.00001; gnomAD exomes 0.00002.
gnomAD v4.1: 25 of 1,613,666 alleles (0.0015%); highest among the groups gnomAD compares: Non-Finnish European, 0.0021%; no homozygotes.

Submissions (10):

Labcorp Genetics (formerly Invitae), Labcorp
Classification: Uncertain significance for Ataxia-telangiectasia syndrome. Last evaluated: 2026-01-17. Review status: criteria provided, single submitter. Criteria: Invitae Variant Classification Sherloc (09022015). Collection method: clinical testing. Allele origin: germline.
Comment: This sequence change replaces threonine, which is neutral and polar, with arginine, which is basic and polar, at codon 1756 of the ATM protein (p.Thr1756Arg). This variant is not present in population databases (gnomAD no frequency). This missense change has been observed in individual(s) with clinical features of ATM-related conditions (PMID: 19781682, 25980754). ClinVar contains an entry for this variant (Variation ID: 186974). Invitae Evidence Modeling of protein sequence and biophysical properties (such as structural, functional, and spatial information, amino acid conservation, physicochemical variation, residue mobility, and thermodynamic stability) indicates that this missense variant is not expected to disrupt ATM protein function with a negative predictive value of 95%. Studies have shown that this missense change is associated with inconclusive levels of altered splicing (internal data). In summary, the available evidence is currently insufficient to determine the role of this variant in disease. Therefore, it has been classified as a Variant of Uncertain Significance.

Color Diagnostics, LLC DBA Color Health
Classification: Uncertain significance for Hereditary cancer-predisposing syndrome. Last evaluated: 2025-08-11. Review status: criteria provided, single submitter. Criteria: ACMG Guidelines, 2015. Collection method: clinical testing. Allele origin: germline.
Comment: This missense variant replaces threonine with arginine at codon 1756 of the ATM protein. Computational prediction suggests that this variant may not impact protein structure and function. To our knowledge, functional studies have not been performed for this variant. In a large international case-control study, this variant was reported in 4/60462 breast cancer cases and 3/53458 controls (PMID: 33471991). In a separate breast cancer case-control study, this variant was reported in a healthy control (PMID: 19781682). This variant has not been identified in the general population by the Genome Aggregation Database (gnomAD). The available evidence is insufficient to determine the role of this variant in disease conclusively. Therefore, this variant is classified as a Variant of Uncertain Significance.

Ambry Genetics
Classification: Uncertain significance for Hereditary cancer-predisposing syndrome. Last evaluated: 2025-06-26. Review status: criteria provided, single submitter. Criteria: Ambry Variant Classification Scheme 2023. Collection method: clinical testing. Allele origin: germline.
Comment: The p.T1756R variant (also known as c.5267C>G), located in coding exon 34 of the ATM gene, results from a C to G substitution at nucleotide position 5267. The threonine at codon 1756 is replaced by arginine, an amino acid with similar properties. This alteration was detected in 0/4112 breast cancer patients and 1/2399 healthy control individuals across numerous studies (Tavtigian S et al. Am. J. Hum. Genet. 2009 Oct;85:427-46). This alteration was reported in a study of 1297 cases of early-onset breast cancer and 1121 controls (Young EL et al. J Med Genet, 2016 06;53:366-76). Additionally, this alteration has been reported in at least one subject in a study of 13087 breast cancer cases and 5488 control individuals in the UK (Decker B et al. J Med Genet, 2017 11;54:732-741). This amino acid position is not well conserved in available vertebrate species. In addition, this alteration is predicted to be tolerated by in silico analysis. Based on the available evidence, the clinical significance of this variant remains unclear.

PreventionGenetics, part of Exact Sciences
Classification: Uncertain significance for ATM-related condition. Last evaluated: 2025-04-14. Review status: criteria provided, single submitter. Criteria: ACMG Guidelines, 2015. Collection method: clinical testing. Allele origin: germline.
Comment: The ATM c.5267C>G variant is predicted to result in the amino acid substitution p.Thr1756Arg. This variant has been reported in individuals with breast cancer, suspected Lynch syndrome, acute myeloid leukemia, and chronic lymphocytic leukemia (Tung et al. 2014. PubMed ID: 25186627; Supplemental Table 2, Yurgelun et al. 2015. PubMed ID: 25980754; Supplementary Table 3s, Yang et al. 2022. PubMed ID: 34482403; Supplementary Table S6, Lampson et al. 2023. PubMed ID: 36315919). This variant has not been reported in a large population database (gnomAD), indicating this variant is rare. This variant is interpreted as uncertain in ClinVar. At this time, the clinical significance of this variant is uncertain due to the absence of conclusive functional and genetic evidence.

Baylor Genetics
Classification: Uncertain significance for Familial cancer of breast. Last evaluated: 2024-03-09. Review status: criteria provided, single submitter. Criteria: ACMG Guidelines, 2015. Collection method: clinical testing. Allele origin: unknown.

GeneDx
Classification: Uncertain significance. Last evaluated: 2023-04-07. Review status: criteria provided, single submitter. Criteria: GeneDx Variant Classification Process June 2021. Collection method: clinical testing. Allele origin: germline. Affected: yes.
Comment: Not observed at significant frequency in large population cohorts (gnomAD); In silico analysis supports that this missense variant does not alter protein structure/function; Identified in patients with breast cancer, in an individual with Lynch-syndrome associated cancer and/or polyps, and in unaffected controls (Tavtigian et al., 2009; Tung et al., 2015; Yurgelun et al., 2015; Decker et al., 2017); This variant is associated with the following publications: (PMID: 19781682, 25980754, 28779002, 25186627, 26787654, 26689913)

Mayo Clinic Laboratories, Mayo Clinic
Classification: Uncertain significance. Last evaluated: 2022-12-07. Review status: criteria provided, single submitter. Criteria: ACMG Guidelines, 2015. Collection method: clinical testing. Allele origin: germline. Observed: 2 variant alleles.
Comment: BP4, PM2

Division of Medical Genetics, University of Washington
Classification: Uncertain significance for Familial cancer of breast. Last evaluated: 2020-04-09. Review status: criteria provided, single submitter. Criteria: ACMG Guidelines, 2015. Collection method: clinical testing. Allele origin: germline. Affected: no. Study: CSER_CHARM.
Comment: This variant has been reported in the literature in individuals with breast cancer (Tavtigian 2009, Yurgelun 2015). This variant is not present in population databases. In silico analyses indicate this is an evolutionarily conserved residue. Thus, it is unknown at this time whether this variant increases cancer risk. PM2; PP3

Natera, Inc.
Classification: Uncertain significance for Ataxia-telangiectasia. Last evaluated: 2021-05-24. Review status: no assertion criteria provided. Collection method: clinical testing. Allele origin: germline. Not counted in ClinVar's aggregate classification.

Department of Pathology and Laboratory Medicine, Sinai Health System
Classification: Uncertain significance for Malignant tumor of breast. Review status: no assertion criteria provided. Collection method: clinical testing. Allele origin: unknown. Affected: yes. Observed: 1 variant allele. Study: The Canadian Open Genetics Repository (COGR). Not counted in ClinVar's aggregate classification.
Comment: The ATM p.Thr1756Arg variant was identified in 1 of 7582 proband chromosomes (frequency: 0.0001) from individuals or families with breast cancer or Lynch Syndrome associated cancer and/or colorectal polyps, and was identified in 1 of 4490 chromosomes from healthy individuals (frequency: (0.00)) (Yurgelun 2015,Tavtigian 2009). In the LS proband, the variant co-occurred with a PMS2 variant (c.137G>T (p.Ser46Ile)), while in the control case that had no personal family history of breast cancer at the time of recruitment, the variant was found to co-occur with another ATM variant (p.W488C) (Yurgelun 2015, Tavtigian 2009). The variant was also identified in dbSNP (ID: rs786203369) â€šÃ„ÃºWith Uncertain significance alleleâ€šÃ„Ã¹, and ClinVar (classified as uncertain significance by Ambry Genetics and Invitae). The variant was not identified in the following control databases: the 1000 Genomes Project, the NHLBI GO Exome Sequencing Project, the Exome Aggregation Consortium (August 8th 2016), or the Genome Aggregation Database (Feb 27, 2017). The p.Thr1756Arg residue is not conserved in mammals and four out of five computational analyses (PolyPhen-2, SIFT, AlignGVGD, BLOSUM, MutationTaster) do not suggest a high likelihood of impact to the protein; however, this information is not predictive enough to rule out pathogenicity. The variant occurs outside of the splicing consensus sequence and in silico or computational prediction software programs (SpliceSiteFinder, MaxEntScan, NNSPLICE, GeneSplicer) do not predict a difference in splicing. In summary, based on the above information the clinical significance of this variant cannot be determined with certainty at this time. This variant is classified as a variant of uncertain significance.

Literature cited by the submitters: PubMed 19781682 (cited by Labcorp Genetics (formerly Invitae), Labcorp and Color Diagnostics, LLC DBA Color Health); PubMed 25980754 (cited by Labcorp Genetics (formerly Invitae), Labcorp and Color Diagnostics, LLC DBA Color Health); PubMed 33471991 (cited by Color Diagnostics, LLC DBA Color Health); PubMed 25186627 (cited by Ambry Genetics); PubMed 26787654 (cited by Ambry Genetics); PubMed 28779002 (cited by Ambry Genetics).

NM_000051.4(ATM):c.5267C>G (p.Thr1756Arg)

Gene: ATM (ATM serine/threonine kinase; plus strand). Cytogenetic location: 11q22.3.
Variant type: single nucleotide variant.
Coding change: c.5267C>G on transcript NM_000051.4 (MANE Select); coding-DNA position 5267, C replaced by G.
Protein change: p.Thr1756Arg; replaces threonine 1756 with arginine.
Molecular consequence: missense variant.
Genome position (GRCh38, 1-based): chr11:108,301,737, C>G. VCF-style: chr11-108301737-C-G. GRCh37 (hg19) VCF-style: chr11-108172464-C-G.
Other names: p.Thr1756Arg; c.5267C>G, p.Thr1756Arg (NM_001351834.2); short protein forms T1756R.
Identifiers: ClinVar variation 186974 (VCV000186974.38), dbSNP rs786203369, ClinGen allele CA196380.